The following is an entry in ClinVar:

NM_000238.4(KCNH2):c.949_972del (p.Asn317_Leu324del)

Gene: KCNH2 (potassium voltage-gated channel subfamily H member 2; minus strand). Cytogenetic location: 7q36.1.
Variant type: Deletion.
Coding change: c.949_972del on transcript NM_000238.4 (MANE Select); coding-DNA positions 949 to 972, 24 bases deleted (AACTCCACCTCGGACTCCGACCTC).
Protein change: p.Asn317_Leu324del.
Molecular consequence: inframe deletion. On other transcripts: non-coding transcript variant (1), inframe indel (1).
Genome position (GRCh38, 1-based): chr7:150,957,447-150,957,470, GAGGTCGGAGTCCGAGGTGGAGTT deleted on the plus strand (AACTCCACCTCGGACTCCGACCTC on the coding strand, the reverse complement: KCNH2 is on the minus strand); deleting any 24 consecutive bases within chr7:150,957,447-150,957,473 gives the same sequence; the c. name uses the placement nearest the transcript's 3' end. VCF-style (leftmost placement, unchanged base first): chr7-150957446-CGAGGTCGGAGTCCGAGGTGGAGTT-C. GRCh37 (hg19) VCF-style: chr7-150654534-CGAGGTCGGAGTCCGAGGTGGAGTT-C.
Other names: c.661_684del, p.Asn221_Leu228del (NM_001406753.1, NM_001406756.1); c.772_795del, p.Asn258_Leu265del (NM_001406755.1); c.649_672del, p.Asn217_Leu224del (NM_001406757.1); c.949_972del, p.Asn317_Leu324del (NM_172056.3); c.949_972del24 (NM_000238.3).
Identifiers: ClinVar variation 3862763 (VCV003862763.1).

ClinVar aggregate classification (germline): Uncertain significance (1 of 4 stars; one submission).

Conditions:
Cardiovascular phenotype. Identifiers: MedGen CN230736.

Submission:

Ambry Genetics
Classification: Uncertain significance for Cardiovascular phenotype. Last evaluated: 2025-02-06. Review status: criteria provided, single submitter. Criteria: Ambry Variant Classification Scheme 2023. Collection method: clinical testing. Allele origin: germline.
Comment: The c.949_972del24 variant (also known as p.N317_L324del) is located in coding exon 5 of the KCNH2 gene. This variant results from an in-frame AACTCCACCTCGGACTCCGACCTC deletion at nucleotide positions 949 to 972. This results in the in-frame deletion of 8 amino acids at codons 317 to 324. This amino acid position is highly conserved in available vertebrate species. In addition, this alteration is predicted to be deleterious by in silico analysis (Choi Y et al. PLoS ONE. 2012; 7(10):e46688). Based on the available evidence, the clinical significance of this variant remains unclear.